The following is an entry in ClinVar:

NM_015335.5(MED13L):c.6592G>C (p.Val2198Leu)

Gene: MED13L (mediator complex subunit 13L; minus strand). Cytogenetic location: 12q24.21.
Variant type: single nucleotide variant.
Coding change: c.6592G>C on transcript NM_015335.5 (MANE Select); coding-DNA position 6592, G replaced by C.
Protein change: p.Val2198Leu; replaces valine 2198 with leucine.
Molecular consequence: missense variant.
Genome position (GRCh38, 1-based): chr12:115,961,307, C>G on the plus strand (G>C on the coding strand, the complement: MED13L is on the minus strand). VCF-style: chr12-115961307-C-G. GRCh37 (hg19) VCF-style: chr12-116399112-C-G.
Other names: short protein forms V2198L.
Identifiers: ClinVar variation 1712587 (VCV001712587.2), dbSNP rs1479014847, ClinGen allele CA386872489.

ClinVar aggregate classification (germline): Uncertain significance (1 of 4 stars; one submission).

Submission:

GeneDx
Classification: Uncertain significance. Last evaluated: 2022-04-22. Review status: criteria provided, single submitter. Criteria: GeneDx Variant Classification Process June 2021. Collection method: clinical testing. Allele origin: germline. Affected: yes.
Comment: Not observed at significant frequency in large population cohorts (gnomAD); In silico analysis supports that this missense variant does not alter protein structure/function; Has not been previously published as pathogenic or benign to our knowledge